The following is an entry in ClinVar:

ClinVar aggregate classification (germline): Uncertain significance (1 of 4 stars; one submission).

Conditions:
EGFR-related lung cancer (EGFR). Identifiers: MedGen CN130014.

Submission:

Labcorp Genetics (formerly Invitae), Labcorp
Classification: Uncertain significance for EGFR-related lung cancer. Last evaluated: 2022-03-08. Review status: criteria provided, single submitter. Criteria: Invitae Variant Classification Sherloc (09022015). Collection method: clinical testing. Allele origin: germline.
Comment: Algorithms developed to predict the effect of missense changes on protein structure and function (SIFT, PolyPhen-2, Align-GVGD) all suggest that this variant is likely to be tolerated. This variant has not been reported in the literature in individuals affected with EGFR-related conditions. This variant is not present in population databases (gnomAD no frequency). This sequence change replaces leucine, which is neutral and non-polar, with valine, which is neutral and non-polar, at codon 1115 of the EGFR protein (p.Leu1115Val). In summary, the available evidence is currently insufficient to determine the role of this variant in disease. Therefore, it has been classified as a Variant of Uncertain Significance.

NM_005228.5(EGFR):c.3343C>G (p.Leu1115Val)

Gene: EGFR (epidermal growth factor receptor; plus strand). Cytogenetic location: 7p11.2.
Variant type: single nucleotide variant.
Coding change: c.3343C>G on transcript NM_005228.5 (MANE Select); coding-DNA position 3343, C replaced by G.
Protein change: p.Leu1115Val; replaces leucine 1115 with valine.
Molecular consequence: missense variant.
Genome position (GRCh38, 1-based): chr7:55,205,327, C>G. VCF-style: chr7-55205327-C-G. GRCh37 (hg19) VCF-style: chr7-55273020-C-G.
Other names: c.3208C>G, p.Leu1070Val (NM_001346899.2); c.3184C>G, p.Leu1062Val (NM_001346900.2); c.2542C>G, p.Leu848Val (NM_001346941.2); short protein forms L1062V, L1070V, L1115V, L848V.
Identifiers: ClinVar variation 2107714 (VCV002107714.4), dbSNP rs1239866206, ClinGen allele CA367584411.